The following is an entry in ClinVar:

ClinVar aggregate classification (germline): Likely pathogenic (1 of 4 stars; one submission).

Submission:

Labcorp Genetics (formerly Invitae), Labcorp
Classification: Likely pathogenic. Last evaluated: 2023-10-25. Review status: criteria provided, single submitter. Criteria: Invitae Variant Classification Sherloc (09022015). Collection method: clinical testing. Allele origin: germline.
Comment: This sequence change affects a donor splice site in intron 9 of the ESCO2 gene. It is expected to disrupt RNA splicing. Variants that disrupt the donor or acceptor splice site typically lead to a loss of protein function (PMID: 16199547), and loss-of-function variants in ESCO2 are known to be pathogenic (PMID: 15821733, 16380922). This variant is not present in population databases (gnomAD no frequency). This variant has not been reported in the literature in individuals affected with ESCO2-related conditions. Algorithms developed to predict the effect of sequence changes on RNA splicing suggest that this variant may disrupt the consensus splice site. In summary, the currently available evidence indicates that the variant is pathogenic, but additional data are needed to prove that conclusively. Therefore, this variant has been classified as Likely Pathogenic.

Literature cited by the submitters: PubMed 16199547; PubMed 15821733; PubMed 16380922.

NM_001017420.3(ESCO2):c.1497+1G>A

Gene: ESCO2 (establishment of sister chromatid cohesion N-acetyltransferase 2; plus strand). Cytogenetic location: 8p21.1.
Variant type: single nucleotide variant.
Coding change: c.1497+1G>A on transcript NM_001017420.3 (MANE Select); the canonical splice donor site of the intron after coding-DNA position 1497, G replaced by A.
Molecular consequence: splice donor variant.
Genome position (GRCh38, 1-based): chr8:27,792,812, G>A. VCF-style: chr8-27792812-G-A. GRCh37 (hg19) VCF-style: chr8-27650329-G-A.
Identifiers: ClinVar variation 2771721 (VCV002771721.3), dbSNP rs2128956046, ClinGen allele CA370825842.
Genomic context (GRCh38, chr8:27,792,812, plus strand): 5'-CTTTTTATATCTGATGAAAAGAGAGTAGTTGGGTGTTTAATTGCAGAACCCATCAAACAG[G>A]TATGGTATATTTGTTTTAAATTATTGGCATAATTTGCAGGCAAAATAAAGAAAAGTTGGG-3'